The following is an entry in ClinVar:

ClinVar aggregate classification (germline): Uncertain significance (1 of 4 stars; one submission).

Conditions:
Inborn genetic diseases. Identifiers: MedGen C0950123, MeSH D030342.

Submission:

Ambry Genetics
Classification: Uncertain significance for Inborn genetic diseases. Last evaluated: 2021-08-11. Review status: criteria provided, single submitter. Criteria: Ambry Variant Classification Scheme 2023. Collection method: clinical testing. Allele origin: germline.
Comment: The p.V290D variant (also known as c.869T>A), located in coding exon 7 of the ACD gene, results from a T to A substitution at nucleotide position 869. The valine at codon 290 is replaced by aspartic acid, an amino acid with highly dissimilar properties. This amino acid position is conserved. In addition, this alteration is predicted to be tolerated by in silico analysis. Since supporting evidence is limited at this time, the clinical significance of this alteration remains unclear.

NM_001082486.2(ACD):c.611T>A (p.Val204Asp)

Gene: ACD (ACD shelterin complex subunit and telomerase recruitment factor; minus strand). Cytogenetic location: 16q22.1.
Variant type: single nucleotide variant.
Coding change: c.611T>A on transcript NM_001082486.2 (MANE Select); coding-DNA position 611, T replaced by A.
Protein change: p.Val204Asp; replaces valine 204 with aspartic acid.
Molecular consequence: missense variant.
Genome position (GRCh38, 1-based): chr16:67,658,962, A>T on the plus strand (T>A on the coding strand, the complement: ACD is on the minus strand). VCF-style: chr16-67658962-A-T. GRCh37 (hg19) VCF-style: chr16-67692865-A-T.
Other names: c.611T>A, p.Val204Asp (NM_001410884.1); c.602T>A, p.Val201Asp (NM_022914.3); short protein forms V201D, V204D.
Identifiers: ClinVar variation 1764344 (VCV001764344.2), dbSNP rs2543603390, ClinGen allele CA396353980.